The following is an entry in ClinVar:

NM_004006.3(DMD):c.2929C>T (p.Gln977Ter)

Gene: DMD (dystrophin; minus strand). Cytogenetic location: Xp21.1.
Variant type: single nucleotide variant.
Coding change: c.2929C>T on transcript NM_004006.3 (MANE Select); coding-DNA position 2929, C replaced by T.
Protein change: p.Gln977Ter; replaces glutamine 977 with a stop codon.
Molecular consequence: nonsense.
Genome position (GRCh38, 1-based): chrX:32,472,184, G>A on the plus strand (C>T on the coding strand, the complement: DMD is on the minus strand). VCF-style: chrX-32472184-G-A. GRCh37 (hg19) VCF-style: chrX-32490301-G-A.
Other names: c.2905C>T, p.Gln969Ter (NM_000109.4); c.2917C>T, p.Gln973Ter (NM_004009.3); c.2560C>T, p.Gln854Ter (NM_004010.3); short protein forms Q854*, Q969*, Q973*, Q977*.
Identifiers: ClinVar variation 5001209 (VCV005001209.1), dbSNP rs2040713128.

ClinVar aggregate classification (germline): Pathogenic (1 of 4 stars; one submission).

Conditions:
DMD-related disorder. Also called: DMD-related condition.

Submission:

PreventionGenetics, part of Exact Sciences
Classification: Pathogenic for DMD-related condition. Last evaluated: 2025-03-19. Review status: criteria provided, single submitter. Criteria: ACMG Guidelines, 2015. Collection method: clinical testing. Allele origin: germline.
Comment: The DMD c.2929C>T variant is predicted to result in premature protein termination (p.Gln977*). This variant was reported in an individual with Duchenne muscular dystrophy (DMD) and in another family with a family history of DMD (Table 3, Almomani et al. 2009. PubMed ID: 19409785; Family 5, Zhang et al. 2019. PubMed ID: 31727011). This variant has not been reported in a large population database (gnomAD), indicating this variant is rare. Nonsense variants in DMD are expected to be pathogenic. This variant is interpreted as pathogenic.